The following is an entry in ClinVar:

ClinVar aggregate classification (germline): Uncertain significance (1 of 4 stars; one submission).

Conditions:
Arginine:glycine amidinotransferase deficiency (CCDS3). Also called: AGAT deficiency; Cerebral creatine deficiency syndrome 3; L-Arginine:Glycine Amidinotransferase Deficiency; Creatine deficiency syndrome due to AGAT deficiency; GATM deficiency; L-Arginine:Glycine Amidinotransferase (AGAT) Deficiency. Identifiers: Orphanet 35704, MedGen C2675179, MONDO:0012996, OMIM 612718.

Submission:

Labcorp Genetics (formerly Invitae), Labcorp
Classification: Uncertain significance for Arginine:glycine amidinotransferase deficiency. Last evaluated: 2021-02-15. Review status: criteria provided, single submitter. Criteria: Invitae Variant Classification Sherloc (09022015). Collection method: clinical testing. Allele origin: germline.
Comment: This variant is not present in population databases (ExAC no frequency). In summary, the available evidence is currently insufficient to determine the role of this variant in disease. Therefore, it has been classified as a Variant of Uncertain Significance. Algorithms developed to predict the effect of missense changes on protein structure and function are either unavailable or do not agree on the potential impact of this missense change (SIFT: "Deleterious"; PolyPhen-2: "Benign"; Align-GVGD: "Class C0"). This variant has not been reported in the literature in individuals with GATM-related conditions. This sequence change replaces phenylalanine with leucine at codon 308 of the GATM protein (p.Phe308Leu). The phenylalanine residue is highly conserved and there is a small physicochemical difference between phenylalanine and leucine.

NM_001482.3(GATM):c.924C>G (p.Phe308Leu)

Gene: GATM (glycine amidinotransferase; minus strand). Cytogenetic location: 15q21.1.
Variant type: single nucleotide variant.
Coding change: c.924C>G on transcript NM_001482.3 (MANE Select); coding-DNA position 924, C replaced by G.
Protein change: p.Phe308Leu; replaces phenylalanine 308 with leucine.
Molecular consequence: missense variant.
Genome position (GRCh38, 1-based): chr15:45,366,100, G>C on the plus strand (C>G on the coding strand, the complement: GATM is on the minus strand). VCF-style: chr15-45366100-G-C. GRCh37 (hg19) VCF-style: chr15-45658298-G-C.
Other names: c.537C>G, p.Phe179Leu (NM_001321015.2); short protein forms F179L, F308L.
Identifiers: ClinVar variation 1056874 (VCV001056874.9), dbSNP rs2140641473, ClinGen allele CA392257644.